The following is an entry in ClinVar:

ClinVar aggregate classification (germline): Likely pathogenic (1 of 4 stars; one submission).

Submission:

Labcorp Genetics (formerly Invitae), Labcorp
Classification: Likely pathogenic. Last evaluated: 2021-08-15. Review status: criteria provided, single submitter. Criteria: Invitae Variant Classification Sherloc (09022015). Collection method: clinical testing. Allele origin: germline.
Comment: In summary, the currently available evidence indicates that the variant is pathogenic, but additional data are needed to prove that conclusively. Therefore, this variant has been classified as Likely Pathogenic. Algorithms developed to predict the effect of sequence changes on RNA splicing suggest that this variant may disrupt the consensus splice site. Disruption of this splice site has been observed in individual(s) with clinical features of cleidocranial dysplasia (Invitae). This variant is not present in population databases (ExAC no frequency). This sequence change affects an acceptor splice site in intron 3 of the RUNX2 gene. It is expected to disrupt RNA splicing. Variants that disrupt the donor or acceptor splice site typically lead to a loss of protein function (PMID: 16199547), and loss-of-function variants in RUNX2 are known to be pathogenic (PMID: 10521292, 11857736).

Literature cited by the submitters: PubMed 16199547; PubMed 10521292; PubMed 11857736.

NM_001024630.4(RUNX2):c.424-2A>G

Gene: RUNX2 (RUNX family transcription factor 2; plus strand). Cytogenetic location: 6p21.1.
Variant type: single nucleotide variant.
Coding change: c.424-2A>G on transcript NM_001024630.4 (MANE Select); the canonical splice acceptor site of the intron before coding-DNA position 424, A replaced by G.
Molecular consequence: splice acceptor variant.
Genome position (GRCh38, 1-based): chr6:45,431,861, A>G. VCF-style: chr6-45431861-A-G. GRCh37 (hg19) VCF-style: chr6-45399598-A-G.
Other names: c.424-2A>G (NM_001015051.4); c.382-2A>G (NM_001369405.1, NM_001278478.2).
Identifiers: ClinVar variation 1514725 (VCV001514725.6), dbSNP rs2150368149, ClinGen allele CA363959723.